The following is an entry in ClinVar:

ClinVar aggregate classification (germline): Uncertain significance. Review status: criteria provided, single submitter (1 of 4 stars). 2 submissions from 2 submitters: Uncertain significance (1). 1 of the submissions does not count toward it. Last evaluated 2024-11-05.

Conditions:
Neuronal ceroid lipofuscinosis. Also called: Neuronal Ceroid Lipofuscinoses. Identifiers: Orphanet 216, Orphanet 79263, MedGen C0027877, MONDO:0016295. Disease mechanism: loss of function.
Neuronal ceroid lipofuscinosis 5 (CLN5). Also called: CLN5-Related Neuronal Ceroid-Lipofuscinosis; CEROID LIPOFUSCINOSIS, NEURONAL, 5, VARIABLE AGE AT ONSET; Neuronal ceroid lipofuscinosis Finnish variant; NEURONAL CEROID LIPOFUSCINOSIS, LATE INFANTILE, FINNISH VARIANT. Identifiers: Orphanet 168491, Orphanet 228360, MedGen C1850442, MONDO:0009745, OMIM 256731.

Allele frequency attached by ClinVar (database versions not stated): TOPMed 0.00005; ExAC 0.00006; gnomAD 0.00009 and 0.00010; 1000 Genomes Project 30x 0.00016; 1000 Genomes Project 0.00020.

Submissions (2):

Labcorp Genetics (formerly Invitae), Labcorp
Classification: Uncertain significance for Neuronal ceroid lipofuscinosis. Last evaluated: 2024-11-05. Review status: criteria provided, single submitter. Criteria: Invitae Variant Classification Sherloc (09022015). Collection method: clinical testing. Allele origin: germline.
Comment: This sequence change replaces arginine, which is basic and polar, with leucine, which is neutral and non-polar, at codon 22 of the CLN5 protein (p.Arg22Leu). This variant is present in population databases (rs576642281, gnomAD 0.03%). This missense change has been observed in individual(s) with clinical features of spastic ataxia (PMID: 29482223). ClinVar contains an entry for this variant (Variation ID: 409276). An algorithm developed to predict the effect of missense changes on protein structure and function (PolyPhen-2) suggests that this variant¬†is likely to be tolerated. In summary, the available evidence is currently insufficient to determine the role of this variant in disease. Therefore, it has been classified as a Variant of Uncertain Significance.

Natera, Inc.
Classification: Uncertain significance for Neuronal ceroid lipofuscinosis 5. Last evaluated: 2020-04-16. Review status: no assertion criteria provided. Collection method: clinical testing. Allele origin: germline. Not counted in ClinVar's aggregate classification.

Literature cited by the submitters: PubMed 29482223 (cited by Labcorp Genetics (formerly Invitae), Labcorp).

NM_006493.4(CLN5):c.-83G>T

Gene: CLN5 (CLN5 lysosomal BMP synthase; plus strand). Cytogenetic location: 13q22.3.
Variant type: single nucleotide variant.
Coding change: c.-83G>T on transcript NM_006493.4 (MANE Select); 83 bases upstream of the start codon, G replaced by T.
Genome position (GRCh38, 1-based): chr13:76,992,016, G>T. VCF-style: chr13-76992016-G-T. GRCh37 (hg19) VCF-style: chr13-77566151-G-T.
Identifiers: ClinVar variation 409276 (VCV000409276.8), dbSNP rs576642281, ClinGen allele CA7007087.